The following is an entry in ClinVar:

ClinVar aggregate classification (germline): Uncertain significance (1 of 4 stars; one submission).

Conditions:
Tuberous sclerosis 2 (TSC2). Identifiers: Orphanet 805, MedGen C1860707, MONDO:0013199, OMIM 613254.

Allele frequency attached by ClinVar (database versions not stated): gnomAD exomes below 0.00001.
gnomAD v4.1: 1 of 1,598,458 alleles (0.000063%); highest among the groups gnomAD compares: Non-Finnish European, 0.000085%; no homozygotes.

Submission:

Labcorp Genetics (formerly Invitae), Labcorp
Classification: Uncertain significance for Tuberous sclerosis 2. Last evaluated: 2022-03-05. Review status: criteria provided, single submitter. Criteria: Invitae Variant Classification Sherloc (09022015). Collection method: clinical testing. Allele origin: germline.
Comment: In summary, the available evidence is currently insufficient to determine the role of this variant in disease. Therefore, it has been classified as a Variant of Uncertain Significance. Variants that disrupt the consensus splice site are a relatively common cause of aberrant splicing (PMID: 17576681, 9536098). Algorithms developed to predict the effect of sequence changes on RNA splicing suggest that this variant is not likely to affect RNA splicing. ClinVar contains an entry for this variant (Variation ID: 468091). This variant has not been reported in the literature in individuals affected with TSC2-related conditions. This variant is not present in population databases (gnomAD no frequency). This sequence change falls in intron 34 of the TSC2 gene. It does not directly change the encoded amino acid sequence of the TSC2 protein. It affects a nucleotide within the consensus splice site.

Literature cited by the submitters: PubMed 17576681; PubMed 9536098.

NM_000548.5(TSC2):c.4493+6C>T

Gene: TSC2 (TSC complex subunit 2; plus strand). Cytogenetic location: 16p13.3.
Variant type: single nucleotide variant.
Coding change: c.4493+6C>T on transcript NM_000548.5 (MANE Select); 6 bases into the intron after coding-DNA position 4493, C replaced by T.
Molecular consequence: intron variant.
Genome position (GRCh38, 1-based): chr16:2,084,721, C>T. VCF-style: chr16-2084721-C-T. GRCh37 (hg19) VCF-style: chr16-2134722-C-T.
Other names: c.4424+6C>T (NM_001114382.3); c.4364+6C>T (NM_021055.3, NM_001370405.1); c.4295+6C>T (NM_001363528.2); c.4361+6C>T (NM_001370404.1); c.4292+6C>T (NM_001077183.3); c.4184+6C>T (NM_001318827.2); c.3761+6C>T (NM_001318831.2); c.4148+6C>T (NM_001318829.2); and 1 more.
Identifiers: ClinVar variation 468091 (VCV000468091.10), dbSNP rs1555514697, ClinGen allele CA658656543.